The following is an entry in ClinVar:

NM_001320.7(CSNK2B):c.270del (p.Asn91fs)

Gene: CSNK2B (casein kinase 2 beta; plus strand). Cytogenetic location: 6p21.33.
Variant type: Deletion.
Coding change: c.270del on transcript NM_001320.7 (MANE Select); coding-DNA position 270, one base deleted (C; older notation c.270delC).
Protein change: p.Asn91fs; shifts the reading frame from asparagine 91.
Molecular consequence: frameshift variant.
Genome position (GRCh38, 1-based): chr6:31,668,633, C deleted; the last of 2 consecutive C bases (chr6:31,668,632-31,668,633); deleting either gives the same sequence. VCF-style (leftmost placement, unchanged base first): chr6-31668631-AC-A. GRCh37 (hg19) VCF-style: chr6-31636408-AC-A.
Other names: c.270del, p.Asn91fs (NM_001282385.2); c.270delC (NM_001320.7); short protein forms N91fs.
Identifiers: ClinVar variation 4876688 (VCV004876688.1).

ClinVar aggregate classification (germline): Pathogenic (0 of 4 stars; one submission).

Conditions:
Poirier-Bienvenu neurodevelopmental syndrome (POBINDS). Identifiers: Orphanet 689397, MedGen C5231482, MONDO:0032889, OMIM 618732.

Submission:

Department of Neurology, Children's Hospital of Nanjing Medical University
Classification: Pathogenic for Poirier-Bienvenu neurodevelopmental syndrome. Last evaluated: 2024-04-14. Review status: no assertion criteria provided. Collection method: clinical testing. Allele origin: de novo. Inheritance: Autosomal dominant inheritance. Affected: yes. Observed: 1 variant allele, 1 heterozygote.
Comment: The LOF variant has been determined to be a Null variant in a gene for which LOF is a known disease mechanism, likely introducing a premature termination codon in biologically relevant exons and leading to nonsense-mediated mRNA decay (NMD). This variant has been detected as de novo in one or more phenotypically relevant families with confirmed pedigree relationships, meeting the criterion 2 ≤ PS2-Case_Score < 4. The allele frequency in population databases is less than 0.0005.